The following is an entry in ClinVar:

NM_017563.5(IL17RD):c.2138A>G (p.Lys713Arg)

Gene: IL17RD (interleukin 17 receptor D; minus strand). Cytogenetic location: 3p14.3.
Variant type: single nucleotide variant.
Coding change: c.2138A>G on transcript NM_017563.5 (MANE Select); coding-DNA position 2138, A replaced by G.
Protein change: p.Lys713Arg; replaces lysine 713 with arginine.
Molecular consequence: missense variant.
Genome position (GRCh38, 1-based): chr3:57,096,475, T>C on the plus strand (A>G on the coding strand, the complement: IL17RD is on the minus strand). VCF-style: chr3-57096475-T-C. GRCh37 (hg19) VCF-style: chr3-57130503-T-C.
Other names: c.2138A>G, p.Lys713Arg (NM_001080973.1); c.1706A>G, p.Lys569Arg (NM_001318864.2); short protein forms K569R, K713R.
Identifiers: ClinVar variation 2379531 (VCV002379531.5), dbSNP rs764211156, ClinGen allele CA2462561.

ClinVar aggregate classification (germline): Uncertain significance. Review status: criteria provided, multiple submitters, no conflicts (2 of 4 stars). 2 submissions from 2 submitters: Uncertain significance (2). Last evaluated 2024-03-01.

Allele frequency attached by ClinVar (database versions not stated): ExAC 0.00002; gnomAD exomes 0.00002; gnomAD 0.00007; TOPMed 0.00017.
gnomAD v4.1: 34 of 1,613,578 alleles (0.0021%); highest among the groups gnomAD compares: South Asian, 0.016%; 1 homozygote.

Submissions (2):

Ambry Genetics
Classification: Uncertain significance. Last evaluated: 2024-03-01. Review status: criteria provided, single submitter. Criteria: Ambry Variant Classification Scheme 2023. Collection method: clinical testing. Allele origin: germline.

Labcorp Genetics (formerly Invitae), Labcorp
Classification: Uncertain significance. Last evaluated: 2023-09-27. Review status: criteria provided, single submitter. Criteria: Invitae Variant Classification Sherloc (09022015). Collection method: clinical testing. Allele origin: germline.
Comment: In summary, the available evidence is currently insufficient to determine the role of this variant in disease. Therefore, it has been classified as a Variant of Uncertain Significance. An algorithm developed to predict the effect of missense changes on protein structure and function (PolyPhen-2) suggests that this variant is likely to be tolerated. ClinVar contains an entry for this variant (Variation ID: 2379531). This variant has not been reported in the literature in individuals affected with IL17RD-related conditions. This variant is present in population databases (rs764211156, gnomAD 0.02%). This sequence change replaces lysine, which is basic and polar, with arginine, which is basic and polar, at codon 713 of the IL17RD protein (p.Lys713Arg).